The following is an entry in ClinVar:

ClinVar aggregate classification (germline): Uncertain significance (1 of 4 stars; one submission).

Allele frequency attached by ClinVar (database versions not stated): gnomAD exomes below 0.00001.
gnomAD v4.1: 1 of 1,613,962 alleles (0.000062%); highest among the groups gnomAD compares: Non-Finnish European, 0.000085%; no homozygotes.

Submission:

Ambry Genetics
Classification: Uncertain significance. Last evaluated: 2023-02-04. Review status: criteria provided, single submitter. Criteria: Ambry Variant Classification Scheme 2023. Collection method: clinical testing. Allele origin: germline.
Comment: The p.E3682A variant (also known as c.11045A>C), located in coding exon 77 of the PRKDC gene, results from an A to C substitution at nucleotide position 11045. The glutamic acid at codon 3682 is replaced by alanine, an amino acid with dissimilar properties. This amino acid position is conserved. In addition, this alteration is predicted to be tolerated by in silico analysis. Since supporting evidence is limited at this time, the clinical significance of this alteration remains unclear.

NM_006904.7(PRKDC):c.11045A>C (p.Glu3682Ala)

Gene: PRKDC (protein kinase, DNA-activated, catalytic subunit; minus strand). Cytogenetic location: 8q11.21.
Variant type: single nucleotide variant.
Coding change: c.11045A>C on transcript NM_006904.7 (MANE Select); coding-DNA position 11045, A replaced by C.
Protein change: p.Glu3682Ala; replaces glutamic acid 3682 with alanine.
Molecular consequence: missense variant.
Genome position (GRCh38, 1-based): chr8:47,785,175, T>G on the plus strand (A>C on the coding strand, the complement: PRKDC is on the minus strand). VCF-style: chr8-47785175-T-G. GRCh37 (hg19) VCF-style: chr8-48697736-T-G.
Other names: c.11045A>C, p.Glu3682Ala (NM_001081640.2); short protein forms E3682A.
Identifiers: ClinVar variation 2449877 (VCV002449877.2), dbSNP rs2551860894, ClinGen allele CA371130982.